The following is an entry in ClinVar:

NM_012431.3(SEMA3E):c.1997G>A (p.Arg666His)

Gene: SEMA3E (semaphorin 3E; minus strand). Cytogenetic location: 7q21.11.
Variant type: single nucleotide variant.
Coding change: c.1997G>A on transcript NM_012431.3 (MANE Select); coding-DNA position 1997, G replaced by A.
Protein change: p.Arg666His; replaces arginine 666 with histidine.
Molecular consequence: missense variant.
Genome position (GRCh38, 1-based): chr7:83,367,917, C>T on the plus strand (G>A on the coding strand, the complement: SEMA3E is on the minus strand). VCF-style: chr7-83367917-C-T. GRCh37 (hg19) VCF-style: chr7-82997233-C-T.
Other names: c.1817G>A, p.Arg606His (NM_001178129.2); c.1997G>A (NM_012431.2); short protein forms R606H, R666H.
Identifiers: ClinVar variation 1370877 (VCV001370877.10), dbSNP rs779454555, ClinGen allele CA4321845.

ClinVar aggregate classification (germline): Conflicting classifications of pathogenicity. Review status: criteria provided, conflicting classifications (1 of 4 stars). 3 submissions from 3 submitters: Uncertain significance (2); Likely benign (1). Last evaluated 2026-06-01.

Conditions:
CHARGE syndrome (CHARGE). Also called: Hittner Hirsch Kreh syndrome; CHARGE ASSOCIATION--COLOBOMA, HEART ANOMALY, CHOANAL ATRESIA, RETARDATION, GENITAL AND EAR ANOMALIES; Coloboma, heart anomaly, choanal atresia, retardation, genital and ear anomalies; CHARGE association; Hall-Hittner syndrome. Identifiers: Orphanet 138, MedGen C0265354, MONDO:0008965.
SEMA3E-related disorder. Also called: SEMA3E-related condition.

Allele frequency attached by ClinVar (database versions not stated): gnomAD exomes 0.00001 and below 0.00001; gnomAD 0.00002; ExAC 0.00001; TOPMed 0.00002.
gnomAD v4.1: 17 of 1,610,308 alleles (0.0011%); highest among the groups gnomAD compares: Middle Eastern, 0.017%; no homozygotes.

Submissions (3):

PreventionGenetics, part of Exact Sciences
Classification: Uncertain significance for SEMA3E-related condition. Last evaluated: 2026-06-01. Review status: criteria provided, single submitter. Criteria: ACMG Guidelines, 2015. Collection method: clinical testing. Allele origin: germline.
Comment: The SEMA3E c.1997G>A variant is predicted to result in the amino acid substitution p.Arg666His. This variant has been reported in an individual with multiple congenital anomalies, but no additional studies were performed to help assess the pathogenicity of this variant (Retterer et al. 2016. PubMed ID: 26633542, Supplemental Table 2). This variant is reported in 0.0023% of alleles in individuals of European (Non-Finnish) descent in gnomAD. At this time, the clinical significance of this variant is uncertain due to the absence of conclusive functional and genetic evidence.

Labcorp Genetics (formerly Invitae), Labcorp
Classification: Uncertain significance for CHARGE syndrome. Last evaluated: 2025-12-14. Review status: criteria provided, single submitter. Criteria: Invitae Variant Classification Sherloc (09022015). Collection method: clinical testing. Allele origin: germline.
Comment: This sequence change replaces arginine, which is basic and polar, with histidine, which is basic and polar, at codon 666 of the SEMA3E protein (p.Arg666His). This variant is present in population databases (rs779454555, gnomAD 0.002%). This variant has not been reported in the literature in individuals affected with SEMA3E-related conditions. ClinVar contains an entry for this variant (Variation ID: 1370877). Invitae Evidence Modeling of protein sequence and biophysical properties (such as structural, functional, and spatial information, amino acid conservation, physicochemical variation, residue mobility, and thermodynamic stability) indicates that this missense variant is not expected to disrupt SEMA3E protein function with a negative predictive value of 80%. In summary, the available evidence is currently insufficient to determine the role of this variant in disease. Therefore, it has been classified as a Variant of Uncertain Significance.

Blueprint Genetics
Classification: Likely benign. Last evaluated: 2023-08-09. Review status: criteria provided, single submitter. Criteria: ACMG Guidelines, 2015. Collection method: clinical testing. Allele origin: germline.